The following is an entry in ClinVar:

ClinVar aggregate classification (germline): Uncertain significance. Review status: criteria provided, multiple submitters, no conflicts (2 of 4 stars). 2 submissions from 2 submitters: Uncertain significance (2). Last evaluated 2024-05-23.

Conditions:
Hereditary cancer-predisposing syndrome. Also called: Neoplastic Syndromes, Hereditary; Hereditary Cancer Syndrome; Hereditary neoplastic syndrome; Tumor predisposition. Identifiers: Orphanet 140162, MedGen C0027672, MeSH D009386, MONDO:0015356.
Ataxia-telangiectasia syndrome (AT). Also called: Ataxia-telangiectasia, complementation group E; Cerebello-oculocutaneous telangiectasia; Immunodeficiency with ataxia telangiectasia; Ataxia-telangiectasia, complementation group D; AT, COMPLEMENTATION GROUP C; Ataxia-telangiectasia. Identifiers: Orphanet 100, MedGen C0004135, MONDO:0008840, OMIM 208900.

Allele frequency attached by ClinVar (database versions not stated): gnomAD exomes below 0.00001.
gnomAD v4.1: 1 of 1,614,066 alleles (0.000062%); highest among the groups gnomAD compares: South Asian, 0.0011%; no homozygotes.

Submissions (2):

Ambry Genetics
Classification: Uncertain significance for Hereditary cancer-predisposing syndrome. Last evaluated: 2024-05-23. Review status: criteria provided, single submitter. Criteria: Ambry Variant Classification Scheme 2023. Collection method: clinical testing. Allele origin: germline.
Comment: The p.E1530A variant (also known as c.4589A>C), located in coding exon 29 of the ATM gene, results from an A to C substitution at nucleotide position 4589. The glutamic acid at codon 1530 is replaced by alanine, an amino acid with dissimilar properties. This amino acid position is conserved. In addition, this alteration is predicted to be tolerated by in silico analysis. Based on the available evidence, the clinical significance of this variant remains unclear.

Labcorp Genetics (formerly Invitae), Labcorp
Classification: Uncertain significance for Ataxia-telangiectasia syndrome. Last evaluated: 2024-04-30. Review status: criteria provided, single submitter. Criteria: Invitae Variant Classification Sherloc (09022015). Collection method: clinical testing. Allele origin: germline.
Comment: This sequence change replaces glutamic acid, which is acidic and polar, with alanine, which is neutral and non-polar, at codon 1530 of the ATM protein (p.Glu1530Ala). This variant is not present in population databases (gnomAD no frequency). This variant has not been reported in the literature in individuals affected with ATM-related conditions. ClinVar contains an entry for this variant (Variation ID: 848885). An algorithm developed to predict the effect of missense changes on protein structure and function (PolyPhen-2) suggests that this variant is likely to be tolerated. In summary, the available evidence is currently insufficient to determine the role of this variant in disease. Therefore, it has been classified as a Variant of Uncertain Significance.

NM_000051.4(ATM):c.4589A>C (p.Glu1530Ala)

Gene: ATM (ATM serine/threonine kinase; plus strand). Cytogenetic location: 11q22.3.
Variant type: single nucleotide variant.
Coding change: c.4589A>C on transcript NM_000051.4 (MANE Select); coding-DNA position 4589, A replaced by C.
Protein change: p.Glu1530Ala; replaces glutamic acid 1530 with alanine.
Molecular consequence: missense variant.
Genome position (GRCh38, 1-based): chr11:108,292,771, A>C. VCF-style: chr11-108292771-A-C. GRCh37 (hg19) VCF-style: chr11-108163498-A-C.
Other names: c.4589A>C, p.Glu1530Ala (NM_001351834.2); short protein forms E1530A.
Identifiers: ClinVar variation 848885 (VCV000848885.9), dbSNP rs2082872800, ClinGen allele CA382533980.